The following is an entry in ClinVar:

NM_000135.4(FANCA):c.2248G>A (p.Val750Met)

Gene: FANCA (FA complementation group A; minus strand). Cytogenetic location: 16q24.3.
Variant type: single nucleotide variant.
Coding change: c.2248G>A on transcript NM_000135.4 (MANE Select); coding-DNA position 2248, G replaced by A.
Protein change: p.Val750Met; replaces valine 750 with methionine.
Molecular consequence: missense variant.
Genome position (GRCh38, 1-based): chr16:89,770,234, C>T on the plus strand (G>A on the coding strand, the complement: FANCA is on the minus strand). VCF-style: chr16-89770234-C-T. GRCh37 (hg19) VCF-style: chr16-89836642-C-T.
Other names: c.2248G>A (LRG_495t1, NM_000135.3); c.2248G>A, p.Val750Met (NM_001286167.3); short protein forms V750M.
Identifiers: ClinVar variation 651621 (VCV000651621.11), dbSNP rs747723074, ClinGen allele CA8251816.

ClinVar aggregate classification (germline): Conflicting classifications of pathogenicity. Review status: criteria provided, conflicting classifications (1 of 4 stars). 4 submissions from 4 submitters: Uncertain significance (2); Likely benign (1). 1 of the submissions does not count toward it. Last evaluated 2025-07-17.

Conditions:
Fanconi anemia (FA). Also called: Fanconi's anemia. Identifiers: Orphanet 84, MedGen C0015625, MeSH D005199, MONDO:0019391.
Fanconi anemia complementation group A (FANCA). Also called: FANCA-Related Fanconi Anemia; Fanconi anemia, group A. Identifiers: Orphanet 84, MedGen C3469521, MONDO:0009215, OMIM 227650.

Allele frequency attached by ClinVar (database versions not stated): TOPMed 0.00002.
gnomAD v4.1: 33 of 1,586,992 alleles (0.0021%); highest among the groups gnomAD compares: East Asian, 0.0091%; no homozygotes.

Submissions (4):

Labcorp Genetics (formerly Invitae), Labcorp
Classification: Likely benign for Fanconi anemia. Last evaluated: 2025-07-17. Review status: criteria provided, single submitter. Criteria: Invitae Variant Classification Sherloc (09022015). Collection method: clinical testing. Allele origin: germline.

Fulgent Genetics
Classification: Uncertain significance for Fanconi anemia complementation group A. Last evaluated: 2024-03-20. Review status: criteria provided, single submitter. Criteria: ACMG Guidelines, 2015. Collection method: clinical testing. Allele origin: germline.

Quest Diagnostics Nichols Institute San Juan Capistrano
Classification: Uncertain significance. Last evaluated: 2023-07-18. Review status: criteria provided, single submitter. Criteria: Quest Diagnostics criteria. Collection method: clinical testing. Allele origin: unknown.
Comment: In the published literature, this variant has been reported in a tumor sample of an individual with colorectal cancer (PMID: 33020649 (2020)). The frequency of this variant in the general population, 0.00019 (3/15574 chromosomes (Genome Aggregation Database)), is uninformative in the assessment of its pathogenicity. Analysis of this variant using bioinformatics tools for the prediction of the effect of amino acid changes on protein structure and function yielded predictions that this variant is benign. Based on the available information, we are unable to determine the clinical significance of this variant.

Natera, Inc.
Classification: Uncertain significance for Fanconi anemia. Last evaluated: 2021-03-25. Review status: no assertion criteria provided. Collection method: clinical testing. Allele origin: germline. Not counted in ClinVar's aggregate classification.

Literature cited by the submitters: PubMed 24824029 (cited by Quest Diagnostics Nichols Institute San Juan Capistrano); PubMed 33020649 (cited by Quest Diagnostics Nichols Institute San Juan Capistrano).